The following is an entry in ClinVar:

ClinVar aggregate classification (germline): Uncertain significance (1 of 4 stars; one submission).

Conditions:
Renal cell carcinoma. Identifiers: Orphanet 217071, MedGen C0007134, MeSH D002292, MONDO:0005086, HP:0005584.

Submission:

Labcorp Genetics (formerly Invitae), Labcorp
Classification: Uncertain significance for Renal cell carcinoma. Last evaluated: 2024-04-18. Review status: criteria provided, single submitter. Criteria: Invitae Variant Classification Sherloc (09022015). Collection method: clinical testing. Allele origin: germline.
Comment: This variant results in the deletion of part of exon 12 (c.2638-83_2668del) of the MET gene. It is expected to disrupt RNA splicing. Variants that disrupt the donor or acceptor splice site typically lead to a loss of protein function (PMID: 16199547), however the current clinical and genetic evidence is not sufficient to establish whether loss-of-function variants in MET cause disease. This variant is not present in population databases (gnomAD no frequency). This variant has not been reported in the literature in individuals affected with MET-related conditions. In summary, the available evidence is currently insufficient to determine the role of this variant in disease. Therefore, it has been classified as a Variant of Uncertain Significance.

Literature cited by the submitters: PubMed 16199547.

NM_000245.4(MET):c.2584-83_2614del

Gene: MET (MET proto-oncogene, receptor tyrosine kinase; plus strand). Cytogenetic location: 7q31.2.
Variant type: Deletion.
Coding change: c.2584-83_2614del on transcript NM_000245.4 (MANE Select); 83 bases into the intron before coding-DNA position 2584 through coding-DNA position 2614, 114 bases deleted.
Molecular consequence: splice acceptor variant.
Genome position (GRCh38, 1-based): chr7:116,769,562-116,769,675, 114 bases deleted. GRCh37 (hg19): chr7:116,409,616-116,409,729.
Other names: c.2638-83_2668del (NM_001127500.3); c.1294-83_1324del (NM_001324402.2); c.2584-83_2614del (NM_001324401.3).
Identifiers: ClinVar variation 3642785 (VCV003642785.2).